The following is an entry in ClinVar:

NM_001077350.3(NPRL3):c.1297del (p.Arg433fs)

Genes: HBA-LCR (alpha-globin locus control region; plus strand), NPRL3 (NPR3 like, GATOR1 complex subunit; minus strand). Cytogenetic location: 16p13.3.
Variant type: Deletion.
Coding change: c.1297del on transcript NM_001077350.3 (MANE Select); coding-DNA position 1297, one base deleted (C; older notation c.1297delC).
Protein change: p.Arg433fs; shifts the reading frame from arginine 433.
Molecular consequence: frameshift variant.
Genome position (GRCh38, 1-based): chr16:89,767, G deleted on the plus strand (C on the coding strand, the reverse complement: NPRL3 is on the minus strand); the first of 3 consecutive G bases (chr16:89,767-89,769); deleting any one gives the same sequence. VCF-style (leftmost placement, unchanged base first): chr16-89766-CG-C. GRCh37 (hg19) VCF-style: chr16-139764-CG-C.
Other names: c.760del, p.Arg254fs (NM_001039476.3); c.1063del, p.Arg355fs (NM_001243247.2); c.1222del, p.Arg408fs (NM_001243248.2, NM_001243249.2); short protein forms R254fs, R355fs, R408fs, R433fs.
Identifiers: ClinVar variation 3899350 (VCV003899350.2).
Genomic context (GRCh38, chr16:89,766, plus strand): 5'-GTCCTACTTGGGGAGCCAAAGCTGAGGGCGTTGGGCGTGCTGAGGCTGCGACCGCCGACC[CG>C]GGCAGTGAAGGGGACGTCGTCCTCTCGCGGACGGGGCTCCTCCTCGCTGGGTGAGGCCAT-3'

ClinVar aggregate classification (germline): Likely pathogenic (1 of 4 stars; one submission).

Conditions:
Epilepsy, familial focal, with variable foci 3 (FFEVF3). Identifiers: MedGen C4310708, MONDO:0014925, OMIM 617118.

Submission:

Juno Genomics, Hangzhou Juno Genomics, Inc
Classification: Likely pathogenic for Epilepsy, familial focal, with variable foci 3. Review status: criteria provided, single submitter. Criteria: ACMG Guidelines, 2015. Collection method: clinical testing. Allele origin: germline. Affected: yes.
Comment: Absent from controls (or at extremely low frequency if recessive) in Genome Aggregation Database, Exome Sequencing Project, 1000 Genomes Project, or Exome Aggregation Consortium.;Null variant in a gene where loss of function (LOF) is a known mechanism of disease.